The following is an entry in ClinVar:

NM_001164508.2(NEB):c.2538del (p.Asp847fs)

Gene: NEB (nebulin; minus strand). Cytogenetic location: 2q23.3.
Variant type: Deletion.
Coding change: c.2538del on transcript NM_001164508.2 (MANE Select); coding-DNA position 2538, one base deleted (A; older notation c.2538delA).
Protein change: p.Asp847fs; shifts the reading frame from aspartic acid 847.
Molecular consequence: frameshift variant.
Genome position (GRCh38, 1-based): chr2:151,687,518, T deleted on the plus strand (A on the coding strand, the reverse complement: NEB is on the minus strand); the first of 3 consecutive T bases (chr2:151,687,518-151,687,520); deleting any one gives the same sequence. VCF-style (leftmost placement, unchanged base first): chr2-151687517-CT-C. GRCh37 (hg19) VCF-style: chr2-152544031-CT-C.
Other names: c.2538del, p.Asp847fs (NM_001164507.2, NM_001271208.2, NM_004543.5); short protein forms D847fs.
Identifiers: ClinVar variation 4852770 (VCV004852770.1).

ClinVar aggregate classification (germline): Likely pathogenic (1 of 4 stars; one submission).

Conditions:
Nemaline myopathy 2 (NEM2). Also called: Nemaline myopathy 2, autosomal recessive. Identifiers: MedGen C1850569, MONDO:0009725, OMIM 256030.

Submission:

Diagnostics Services (NGS), CSIR - Centre For Cellular And Molecular Biology
Classification: Likely pathogenic for Nemaline myopathy 2. Last evaluated: 2026-05-05. Review status: criteria provided, single submitter. Criteria: ACMG Guidelines, 2015. Collection method: clinical testing. Allele origin: germline. Affected: yes. Observed: 1 variant allele, 1 heterozygote.
Comment: The c.2538del variant is not present in publicly available population databases like 1000 Genome, EVS, gnomAD, Indian Exome Database or in our internal database. This variant has neither been published in the literature for NEB-related conditions nor reported to clinical databases like Human Genome Mutation database (HGMD), OMIM, or ClinVar in any affected individuals. In-silico pathogenicity prediction programs like MutationTaster2021, CADD, Franklin, Varsome, InterVar, etc. predicted this variant to be likely deleterious. This variant causes a frameshift at the 847th amino acid position of the wild-type transcript which creates a premature translational stop signal at the altered transcript, that may either result in translation of a truncated protein or cause nonsense-mediated decay of the mRNA.